The following is an entry in ClinVar:

ClinVar aggregate classification (germline): Uncertain significance (1 of 4 stars; one submission).

gnomAD v4.1: 1 of 1,611,892 alleles (0.000062%); highest among the groups gnomAD compares: Non-Finnish European, 0.000085%; no homozygotes.

Submission:

Labcorp Genetics (formerly Invitae), Labcorp
Classification: Uncertain significance. Last evaluated: 2025-02-26. Review status: criteria provided, single submitter. Criteria: Invitae Variant Classification Sherloc (09022015). Collection method: clinical testing. Allele origin: germline.
Comment: This sequence change replaces proline, which is neutral and non-polar, with alanine, which is neutral and non-polar, at codon 321 of the FOCAD protein (p.Pro321Ala). This variant is not present in population databases (gnomAD no frequency). This variant has not been reported in the literature in individuals affected with FOCAD-related conditions. Experimental studies and prediction algorithms are not available or were not evaluated, and the functional significance of this variant is currently unknown. In summary, the available evidence is currently insufficient to determine the role of this variant in disease. Therefore, it has been classified as a Variant of Uncertain Significance.

NM_001375567.1(FOCAD):c.961C>G (p.Pro321Ala)

Gene: FOCAD (focadhesin; plus strand). Cytogenetic location: 9p21.3.
Variant type: single nucleotide variant.
Coding change: c.961C>G on transcript NM_001375567.1 (MANE Select); coding-DNA position 961, C replaced by G.
Protein change: p.Pro321Ala; replaces proline 321 with alanine.
Molecular consequence: missense variant.
Genome position (GRCh38, 1-based): chr9:20,778,735, C>G. VCF-style: chr9-20778735-C-G. GRCh37 (hg19) VCF-style: chr9-20778734-C-G.
Other names: c.961C>G, p.Pro321Ala (NM_001375568.1, NM_017794.5); c.856C>G, p.Pro286Ala (NM_001375570.1); short protein forms P286A, P321A.
Identifiers: ClinVar variation 4713877 (VCV004713877.1).
Genomic context (GRCh38, chr9:20,778,735, plus strand): 5'-TTTTAGGATTTTCCTGTTGAACTGGTCATAATTGGAATAGCTTTACTACTTCTACAGACT[C>G]CAGCAAGTCAGCAGAAGCCAATCTTAAATCTAGGTAAATAAAAATACAGTCACTAGAGTA-3'
Protein context (NP_001362496.1, residues 311-331): IGIALLLLQT[Pro321Ala]ASQQKPILNL